The following is an entry in ClinVar:

NM_000844.4(GRM7):c.1840C>T (p.Arg614Cys)

Gene: GRM7 (glutamate metabotropic receptor 7; plus strand). Cytogenetic location: 3p26.1.
Variant type: single nucleotide variant.
Coding change: c.1840C>T on transcript NM_000844.4 (MANE Select); coding-DNA position 1840, C replaced by T.
Protein change: p.Arg614Cys; replaces arginine 614 with cysteine.
Molecular consequence: missense variant.
Genome position (GRCh38, 1-based): chr3:7,578,746, C>T. VCF-style: chr3-7578746-C-T. GRCh37 (hg19) VCF-style: chr3-7620433-C-T.
Other names: c.1840C>T, p.Arg614Cys (NM_181874.3); c.1840C>T (NM_000844.3); short protein forms R614C.
Identifiers: ClinVar variation 1409830 (VCV001409830.9), dbSNP rs141874818, ClinGen allele CA2234991.

ClinVar aggregate classification (germline): Uncertain significance. Review status: criteria provided, multiple submitters, no conflicts (2 of 4 stars). 3 submissions from 3 submitters: Uncertain significance (3). Last evaluated 2025-08-21.

Conditions:
Inborn genetic diseases. Identifiers: MedGen C0950123, MeSH D030342.

Allele frequency attached by ClinVar (database versions not stated): gnomAD exomes 0.00003 and 0.00004; ExAC 0.00005; gnomAD 0.00015 and 0.00016; ESP Exome Variant Server 0.00023; TOPMed 0.00023.
gnomAD v4.1: 65 of 1,613,890 alleles (0.004%); highest among the groups gnomAD compares: African/African-American, 0.037%; no homozygotes.

Submissions (3):

Ambry Genetics
Classification: Uncertain significance for Inborn genetic diseases. Last evaluated: 2025-08-21. Review status: criteria provided, single submitter. Criteria: Ambry Variant Classification Scheme 2023. Collection method: clinical testing. Allele origin: germline.

Labcorp Genetics (formerly Invitae), Labcorp
Classification: Uncertain significance. Last evaluated: 2024-10-24. Review status: criteria provided, single submitter. Criteria: Invitae Variant Classification Sherloc (09022015). Collection method: clinical testing. Allele origin: germline.
Comment: This sequence change replaces arginine, which is basic and polar, with cysteine, which is neutral and slightly polar, at codon 614 of the GRM7 protein (p.Arg614Cys). This variant is present in population databases (rs141874818, gnomAD 0.05%). This variant has not been reported in the literature in individuals affected with GRM7-related conditions. ClinVar contains an entry for this variant (Variation ID: 1409830). Invitae Evidence Modeling of protein sequence and biophysical properties (such as structural, functional, and spatial information, amino acid conservation, physicochemical variation, residue mobility, and thermodynamic stability) has been performed for this missense variant. However, the output from this modeling did not meet the statistical confidence thresholds required to predict the impact of this variant on GRM7 protein function. In summary, the available evidence is currently insufficient to determine the role of this variant in disease. Therefore, it has been classified as a Variant of Uncertain Significance.

GeneDx
Classification: Uncertain significance. Last evaluated: 2024-03-11. Review status: criteria provided, single submitter. Criteria: GeneDx Variant Classification Process June 2021. Collection method: clinical testing. Allele origin: germline. Affected: yes.
Comment: In silico analysis supports that this missense variant has a deleterious effect on protein structure/function; Has not been previously published as pathogenic or benign to our knowledge